The following is an entry in ClinVar:

ClinVar aggregate classification (germline): Conflicting classifications of pathogenicity. Review status: criteria provided, conflicting classifications (1 of 4 stars). 3 submissions from 3 submitters: Uncertain significance (2); Likely benign (1). Last evaluated 2025-12-03.

Conditions:
Combined oxidative phosphorylation defect type 27. Also called: Combined oxidative phosphorylation deficiency 27. Identifiers: Orphanet 477774, MedGen C5567608, MONDO:0014728, OMIM 616672.

Allele frequency attached by ClinVar (database versions not stated): gnomAD exomes 0.00007 and 0.00019; TOPMed 0.00009; gnomAD 0.00012 and 0.00013; ExAC 0.00041.
gnomAD v4.1: 116 of 1,521,752 alleles (0.0076%); highest among the groups gnomAD compares: Middle Eastern, 0.034%; 1 homozygote.

Submissions (3):

Labcorp Genetics (formerly Invitae), Labcorp
Classification: Likely benign for Combined oxidative phosphorylation defect type 27. Last evaluated: 2025-12-03. Review status: criteria provided, single submitter. Criteria: Invitae Variant Classification Sherloc (09022015). Collection method: clinical testing. Allele origin: germline.

GeneDx
Classification: Uncertain significance. Last evaluated: 2025-09-08. Review status: criteria provided, single submitter. Criteria: GeneDx Variant Classification Process June 2021. Collection method: clinical testing. Allele origin: germline. Affected: yes.
Comment: In silico analysis supports that this missense variant has a deleterious effect on protein structure/function; Has not been previously published as pathogenic or benign to our knowledge

Mayo Clinic Laboratories, Mayo Clinic
Classification: Uncertain significance. Last evaluated: 2023-06-30. Review status: criteria provided, single submitter. Criteria: ACMG Guidelines, 2015. Collection method: clinical testing. Allele origin: germline. Observed: 1 variant allele.
Comment: BS1

NM_024537.4(CARS2):c.125G>C (p.Trp42Ser)

Genes: CARS2 (cysteinyl-tRNA synthetase 2, mitochondrial; minus strand), LOC130010127 (ATAC-STARR-seq lymphoblastoid silent region 5509; plus strand). Cytogenetic location: 13q34.
Variant type: single nucleotide variant.
Coding change: c.125G>C on transcript NM_024537.4 (MANE Select); coding-DNA position 125, G replaced by C.
Protein change: p.Trp42Ser; replaces tryptophan 42 with serine.
Molecular consequence: missense variant. On other transcripts: non-coding transcript variant (1), intron variant (1).
Genome position (GRCh38, 1-based): chr13:110,705,969, C>G on the plus strand (G>C on the coding strand, the complement: CARS2 is on the minus strand). VCF-style: chr13-110705969-C-G. GRCh37 (hg19) VCF-style: chr13-111358316-C-G.
Other names: p.Trp42Ser; c.125G>C, p.Trp42Ser (NM_001352253.3); c.-775-398G>C (NM_001352252.2); short protein forms W42S.
Identifiers: ClinVar variation 1212666 (VCV001212666.16), dbSNP rs779385700, ClinGen allele CA7052400.